The following is an entry in ClinVar:

NM_001378457.1(DMXL2):c.4670C>T (p.Ser1557Leu)

Gene: DMXL2 (Dmx like 2; minus strand). Cytogenetic location: 15q21.2.
Variant type: single nucleotide variant.
Coding change: c.4670C>T on transcript NM_001378457.1 (MANE Select); coding-DNA position 4670, C replaced by T.
Protein change: p.Ser1557Leu; replaces serine 1557 with leucine.
Molecular consequence: missense variant. On other transcripts: non-coding transcript variant (2), intron variant (2).
Genome position (GRCh38, 1-based): chr15:51,498,554, G>A on the plus strand (C>T on the coding strand, the complement: DMXL2 is on the minus strand). VCF-style: chr15-51498554-G-A. GRCh37 (hg19) VCF-style: chr15-51790751-G-A.
Other names: c.4670C>T, p.Ser1557Leu (NM_001174116.3, NM_001378458.1, NM_001378459.1 and 4 more transcripts); c.4430C>T, p.Ser1477Leu (NM_001378464.1); c.2765-6807C>T (NM_001378460.1); c.2765-3420C>T (NM_001174117.3); c.4670C>T (NM_001174116.1); short protein forms S1557L, S1477L.
Identifiers: ClinVar variation 2145818 (VCV002145818.3), dbSNP rs765137113, ClinGen allele CA7561993.

ClinVar aggregate classification (germline): Uncertain significance. Review status: criteria provided, multiple submitters, no conflicts (2 of 4 stars). 3 submissions from 3 submitters: Uncertain significance (3). Last evaluated 2026-05-13.

Conditions:
DMXL2-related disorder. Also called: DMXL2-related condition.

Allele frequency attached by ClinVar (database versions not stated): ExAC 0.00001; gnomAD exomes 0.00003; gnomAD 0.00004; TOPMed 0.00006.
gnomAD v4.1: 43 of 1,604,426 alleles (0.0027%); highest among the groups gnomAD compares: African/African-American, 0.004%; no homozygotes.

Submissions (3):

Greenwood Genetic Center Diagnostic Laboratories, Greenwood Genetic Center
Classification: Uncertain significance. Last evaluated: 2026-05-13. Review status: criteria provided, single submitter. Criteria: ACMG Guidelines, 2015. Collection method: clinical testing. Allele origin: germline.
Comment: PM2, BP4

PreventionGenetics, part of Exact Sciences
Classification: Uncertain significance for DMXL2-related condition. Last evaluated: 2025-05-01. Review status: criteria provided, single submitter. Criteria: ACMG Guidelines, 2015. Collection method: clinical testing. Allele origin: germline.
Comment: The DMXL2 c.4670C>T variant is predicted to result in the amino acid substitution p.Ser1557Leu. To our knowledge, this variant has not been reported in the literature. This variant is reported in 0.012% of alleles in individuals of African descent in gnomAD. At this time, the clinical significance of this variant is uncertain due to the absence of conclusive functional and genetic evidence.

Labcorp Genetics (formerly Invitae), Labcorp
Classification: Uncertain significance. Last evaluated: 2022-05-10. Review status: criteria provided, single submitter. Criteria: Invitae Variant Classification Sherloc (09022015). Collection method: clinical testing. Allele origin: germline.
Comment: This sequence change replaces serine, which is neutral and polar, with leucine, which is neutral and non-polar, at codon 1557 of the DMXL2 protein (p.Ser1557Leu). This variant is present in population databases (rs765137113, gnomAD 0.01%). This variant has not been reported in the literature in individuals affected with DMXL2-related conditions. Algorithms developed to predict the effect of missense changes on protein structure and function are either unavailable or do not agree on the potential impact of this missense change (SIFT: "Deleterious"; PolyPhen-2: "Possibly Damaging"; Align-GVGD: "Class C0"). In summary, the available evidence is currently insufficient to determine the role of this variant in disease. Therefore, it has been classified as a Variant of Uncertain Significance.